The following is an entry in ClinVar:

ClinVar aggregate classification (germline): Pathogenic. Review status: criteria provided, multiple submitters, no conflicts (2 of 4 stars). 5 submissions from 5 submitters: Pathogenic (4). 1 of the submissions does not count toward it. Last evaluated 2025-09-30.

Conditions:
Wilson disease (WND). Also called: Wilson's disease. Identifiers: Orphanet 905, MedGen C0019202, MONDO:0010200, OMIM 277900. Disease mechanism: loss of function.

Allele frequency attached by ClinVar (database versions not stated): gnomAD exomes below 0.00001.

Submissions (5):

Natera, Inc.
Classification: Pathogenic for Wilson disease. Last evaluated: 2025-09-30. Review status: criteria provided, single submitter. Criteria: Natera Variant Classification Schema (03/2026). Collection method: clinical testing. Allele origin: germline.
Comment: The c.1512dupT variant in ATP7B is a frameshift variant predicted to shift the reading frame and introduce a stop codon. This variant is expected to result in nonsense mediated decay, truncation, or a dysfunctional protein product. This variant is rare in the general population with a frequency below the threshold expected for the associated phenotype(s). This variant has been observed in one or more individuals affected with the associated recessive disease, as either homozygous or compound heterozygous with a second variant (PMID: 30232804). Given the available evidence, this variant is classified as Pathogenic.

Labcorp Genetics (formerly Invitae), Labcorp
Classification: Pathogenic for Wilson disease. Last evaluated: 2023-10-05. Review status: criteria provided, single submitter. Criteria: Invitae Variant Classification Sherloc (09022015). Collection method: clinical testing. Allele origin: germline.
Comment: This sequence change creates a premature translational stop signal (p.Asn505*) in the ATP7B gene. It is expected to result in an absent or disrupted protein product. Loss-of-function variants in ATP7B are known to be pathogenic (PMID: 10441329, 16283883). This variant is not present in population databases (gnomAD no frequency). This premature translational stop signal has been observed in individual(s) with clinical features of Wilson disease (PMID: 22735241). ClinVar contains an entry for this variant (Variation ID: 370348). For these reasons, this variant has been classified as Pathogenic.

Baylor Genetics
Classification: Pathogenic for Wilson disease. Last evaluated: 2022-12-28. Review status: criteria provided, single submitter. Criteria: ACMG Guidelines, 2015. Collection method: clinical testing. Allele origin: unknown.

Women's Health and Genetics/Laboratory Corporation of America, LabCorp
Classification: Pathogenic for Wilson disease. Last evaluated: 2021-10-06. Review status: criteria provided, single submitter. Criteria: LabCorp Variant Classification Summary - May 2015. Collection method: clinical testing. Allele origin: germline.
Comment: Variant summary: ATP7B c.1512dupT (p.Asn505X) results in a premature termination codon, predicted to cause a truncation of the encoded protein or absence of the protein due to nonsense mediated decay, which are commonly known mechanisms for disease. Truncations downstream of this position have been classified as pathogenic by our laboratory. The variant was absent in 249238 control chromosomes. c.1512dupT has been reported in the literature in individuals affected with Wilson Disease and has been subsequently cited by others (example, Figus_1995, Weirich_2002, Ferenci_2019, Singh_2019). These data indicate that the variant is likely to be associated with disease. To our knowledge, no experimental evidence demonstrating an impact on protein function has been reported. One clinical diagnostic laboratory has submitted clinical-significance assessments for this variant to ClinVar after 2014 without evidence for independent evaluation and classified the variant as likely pathogenic. Based on the evidence outlined above, the variant was classified as pathogenic.

Counsyl
Classification: Likely pathogenic for Wilson disease. Last evaluated: 2016-01-18. Review status: no assertion criteria provided. Collection method: clinical testing. Allele origin: unknown. Not counted in ClinVar's aggregate classification.

Literature cited by the submitters: PubMed 30232804 (cited by Natera, Inc. and Women's Health and Genetics/Laboratory Corporation of America, LabCorp); PubMed 10441329 (cited by Labcorp Genetics (formerly Invitae), Labcorp); PubMed 16283883 (cited by Labcorp Genetics (formerly Invitae), Labcorp); PubMed 22735241 (cited by Labcorp Genetics (formerly Invitae), Labcorp); PubMed 8533760 (cited by Women's Health and Genetics/Laboratory Corporation of America, LabCorp and Counsyl); PubMed 31059521 (cited by Women's Health and Genetics/Laboratory Corporation of America, LabCorp); PubMed 12202071 (cited by Women's Health and Genetics/Laboratory Corporation of America, LabCorp).

NM_000053.4(ATP7B):c.1512dup (p.Asn505Ter)

Gene: ATP7B (ATPase copper transporting beta; minus strand). Cytogenetic location: 13q14.3.
Variant type: Duplication.
Coding change: c.1512dup on transcript NM_000053.4 (MANE Select); coding-DNA position 1512, one base duplicated (T; older notation c.1512dupT).
Protein change: p.Asn505Ter; replaces asparagine 505 with a stop codon.
Molecular consequence: nonsense.
Genome position (GRCh38, 1-based): chr13:51,970,523, A duplicated on the plus strand (T on the coding strand, the reverse complement: ATP7B is on the minus strand). VCF-style (leftmost placement, unchanged base first): chr13-51970522-T-TA. GRCh37 (hg19) VCF-style: chr13-52544658-T-TA.
Other names: c.1512dup, p.Asn505Ter (NM_001005918.3, NM_001330578.2, NM_001330579.2); c.1179dup, p.Asn394Ter (NM_001243182.2); short protein forms N505*, N394*.
Identifiers: ClinVar variation 370348 (VCV000370348.13), dbSNP rs1057516418, ClinGen allele CA16041677.